The following is an entry in ClinVar:

NM_002691.4(POLD1):c.1137+14C>T

Gene: POLD1 (DNA polymerase delta 1, catalytic subunit; plus strand). Cytogenetic location: 19q13.33.
Variant type: single nucleotide variant.
Coding change: c.1137+14C>T on transcript NM_002691.4 (MANE Select); 14 bases into the intron after coding-DNA position 1137, C replaced by T.
Molecular consequence: intron variant.
Genome position (GRCh38, 1-based): chr19:50,403,233, C>T. VCF-style: chr19-50403233-C-T. GRCh37 (hg19) VCF-style: chr19-50906490-C-T.
Other names: c.1137+14C>T (LRG_785t2, NM_001256849.1, NM_001308632.1 and 1 more transcripts).
Identifiers: ClinVar variation 507816 (VCV000507816.8), dbSNP rs1555790479, ClinGen allele CA658799297.
Genomic context (GRCh38, chr19:50,403,233, plus strand): 5'-TGGGTGCCAAGGTGCAGAGCTACGAGAAGGAGGAGGACCTGCTGCAGGTAGCTCTCGCTC[C>T]ACGCCCCACACCATTTCCCGGGGTCCCCGCCAGCCTCCGCGTCCTGAGCCATCAGCTCCT-3'

ClinVar aggregate classification (germline): Likely benign. Review status: criteria provided, multiple submitters, no conflicts (2 of 4 stars). 2 submissions from 2 submitters: Likely benign (2). Last evaluated 2025-12-22.

Conditions:
POLD1-related polyposis and colorectal cancer syndrome (CRCS10). Also called: Colorectal cancer 10; COLORECTAL CANCER, SUSCEPTIBILITY TO, ON CHROMOSOME 19q; Colorectal cancer, susceptibility to, 10. Identifiers: Orphanet 220460, MedGen C2675481, MONDO:0012953, OMIM 612591.

Allele frequency attached by ClinVar (database versions not stated): gnomAD exomes below 0.00001.

Submissions (2):

Labcorp Genetics (formerly Invitae), Labcorp
Classification: Likely benign for POLD1-related polyposis and colorectal cancer syndrome. Last evaluated: 2025-12-22. Review status: criteria provided, single submitter. Criteria: Invitae Variant Classification Sherloc (09022015). Collection method: clinical testing. Allele origin: germline.

GeneDx
Classification: Likely benign. Last evaluated: 2017-03-02. Review status: criteria provided, single submitter. Criteria: GeneDx Variant Classification (06012015). Collection method: clinical testing. Allele origin: germline. Affected: yes.
Comment: This variant is considered likely benign or benign based on one or more of the following criteria: it is a conservative change, it occurs at a poorly conserved position in the protein, it is predicted to be benign by multiple in silico algorithms, and/or has population frequency not consistent with disease.